The following is an entry in ClinVar:

NM_002834.5(PTPN11):c.1445A>G (p.Lys482Arg)

Gene: PTPN11 (protein tyrosine phosphatase non-receptor type 11; plus strand). Cytogenetic location: 12q24.13.
Variant type: single nucleotide variant.
Coding change: c.1445A>G on transcript NM_002834.5 (MANE Select); coding-DNA position 1445, A replaced by G.
Protein change: p.Lys482Arg; replaces lysine 482 with arginine.
Molecular consequence: missense variant.
Genome position (GRCh38, 1-based): chr12:112,488,508, A>G. VCF-style: chr12-112488508-A-G. GRCh37 (hg19) VCF-style: chr12-112926312-A-G.
Other names: c.1457A>G, p.Lys486Arg (NM_001330437.2); c.1442A>G, p.Lys481Arg (NM_001374625.1); short protein forms K481R, K482R, K486R.
Identifiers: ClinVar variation 3784951 (VCV003784951.1).

ClinVar aggregate classification (germline): Uncertain significance (1 of 4 stars; one submission).

Conditions:
Cardiovascular phenotype. Identifiers: MedGen CN230736.

gnomAD v4.1: 1 of 1,607,896 alleles (0.000062%); highest among the groups gnomAD compares: Non-Finnish European, 0.000085%; no homozygotes.

Submission:

Ambry Genetics
Classification: Uncertain significance for Cardiovascular phenotype. Last evaluated: 2024-12-25. Review status: criteria provided, single submitter. Criteria: Ambry Variant Classification Scheme 2023. Collection method: clinical testing. Allele origin: germline.
Comment: The p.K482R variant (also known as c.1445A>G), located in coding exon 12 of the PTPN11 gene, results from an A to G substitution at nucleotide position 1445. The lysine at codon 482 is replaced by arginine, an amino acid with highly similar properties. This amino acid position is conserved. In addition, this alteration is predicted to be tolerated by in silico analysis. Based on the available evidence, the clinical significance of this variant remains unclear.